The following is an entry in ClinVar:

NM_138387.4(G6PC3):c.626G>A (p.Gly209Asp)

Gene: G6PC3 (glucose-6-phosphatase catalytic subunit 3; plus strand). Cytogenetic location: 17q21.31.
Variant type: single nucleotide variant.
Coding change: c.626G>A on transcript NM_138387.4 (MANE Select); coding-DNA position 626, G replaced by A.
Protein change: p.Gly209Asp; replaces glycine 209 with aspartic acid.
Molecular consequence: missense variant. On other transcripts: synonymous variant (1).
Genome position (GRCh38, 1-based): chr17:44,075,400, G>A. VCF-style: chr17-44075400-G-A. GRCh37 (hg19) VCF-style: chr17-42152768-G-A.
Other names: c.626G>A (NM_138387.3); c.507G>A, p.Arg169= (NM_001319945.2); c.281G>A, p.Gly94Asp (NM_001384165.1, NM_001384166.1, NM_001384167.1 and 1 more transcripts); short protein forms G209D, G94D.
Identifiers: ClinVar variation 1062790 (VCV001062790.5), dbSNP rs764056109, ClinGen allele CA399728612.
Genomic context (GRCh38, chr17:44,075,400, plus strand): 5'-GAGTGCCTATGGAGCGGGAGCTAAGCTTCTATGGGTTGACTGCACTGGCCCTCATGCTAG[G>A]CACCAGCCTCATCTATTGGACCCTCTTTACACTGGGCCTGGATCTTTCTTGGTAAGTCTC-3'
Protein context (NP_612396.1, residues 199-219): YGLTALALML[Gly209Asp]TSLIYWTLFT

ClinVar aggregate classification (germline): Uncertain significance. Review status: criteria provided, multiple submitters, no conflicts (2 of 4 stars). 2 submissions from 2 submitters: Uncertain significance (2). Last evaluated 2024-12-02.

Conditions:
Autosomal recessive severe congenital neutropenia due to G6PC3 deficiency. Also called: G6PC3 Deficiency; NEUTROPENIA, SEVERE CONGENITAL, 4, AUTOSOMAL RECESSIVE. Identifiers: Orphanet 331176, MedGen C2751630, MONDO:0012930, OMIM 612541.
Inborn genetic diseases. Identifiers: MedGen C0950123, MeSH D030342.

gnomAD v4.1: 2 of 1,614,168 alleles (0.00012%); highest among the groups gnomAD compares: Non-Finnish European, 0.00017%; no homozygotes.

Submissions (2):

Ambry Genetics
Classification: Uncertain significance for Inborn genetic diseases. Last evaluated: 2024-12-02. Review status: criteria provided, single submitter. Criteria: Ambry Variant Classification Scheme 2023. Collection method: clinical testing. Allele origin: germline.
Comment: The p.G209D variant (also known as c.626G>A), located in coding exon 5 of the G6PC3 gene, results from a G to A substitution at nucleotide position 626. The glycine at codon 209 is replaced by aspartic acid, an amino acid with similar properties. This amino acid position is conserved. In addition, the in silico prediction for this alteration is inconclusive. Based on the available evidence, the clinical significance of this variant remains unclear.

Labcorp Genetics (formerly Invitae), Labcorp
Classification: Uncertain significance for Autosomal recessive severe congenital neutropenia due to G6PC3 deficiency. Last evaluated: 2021-08-27. Review status: criteria provided, single submitter. Criteria: Invitae Variant Classification Sherloc (09022015). Collection method: clinical testing. Allele origin: germline.